The following is an entry in ClinVar:

ClinVar aggregate classification (germline): Uncertain significance (1 of 4 stars; one submission).

Allele frequency attached by ClinVar (database versions not stated): gnomAD 0.00003; TOPMed 0.00009.
gnomAD v4.1: 6 of 1,613,374 alleles (0.00037%); highest among the groups gnomAD compares: Admixed American, 0.0067%; no homozygotes.

Submission:

Ambry Genetics
Classification: Uncertain significance. Last evaluated: 2025-12-16. Review status: criteria provided, single submitter. Criteria: Ambry Variant Classification Scheme 2023. Collection method: clinical testing. Allele origin: germline.
Comment: The c.1739T>A (p.V580E) alteration is located in exon 13 (coding exon 12) of the PTPRS gene. This alteration results from a T to A substitution at nucleotide position 1739, causing the valine (V) at amino acid position 580 to be replaced by a glutamic acid (E). Based on data from gnomAD, the A allele has an overall frequency of <0.001% (1/250254) total alleles studied. The highest observed frequency was <0.001% (/) of alleles. Based on insufficient or conflicting evidence, the clinical significance of this alteration remains unclear.

NM_002850.4(PTPRS):c.1739T>A (p.Val580Glu)

Gene: PTPRS (protein tyrosine phosphatase receptor type S; minus strand). Cytogenetic location: 19p13.3.
Variant type: single nucleotide variant.
Coding change: c.1739T>A on transcript NM_002850.4 (MANE Select); coding-DNA position 1739, T replaced by A.
Protein change: p.Val580Glu; replaces valine 580 with glutamic acid.
Molecular consequence: missense variant.
Genome position (GRCh38, 1-based): chr19:5,239,029, A>T on the plus strand (T>A on the coding strand, the complement: PTPRS is on the minus strand). VCF-style: chr19-5239029-A-T. GRCh37 (hg19) VCF-style: chr19-5239040-A-T.
Other names: c.1700T>A, p.Val567Glu (NM_001394011.1, NM_001394012.1, NM_001394013.1 and 2 more transcripts); c.1712T>A, p.Val571Glu (NM_130855.3); short protein forms V567E, V571E, V580E.
Identifiers: ClinVar variation 3149582 (VCV003149582.2), dbSNP rs1281988358, ClinGen allele CA403495923.